The following is an entry in ClinVar:

NM_014874.4(MFN2):c.2016G>C (p.Lys672Asn)

Gene: MFN2 (mitofusin 2; plus strand). Cytogenetic location: 1p36.22.
Variant type: single nucleotide variant.
Coding change: c.2016G>C on transcript NM_014874.4 (MANE Select); coding-DNA position 2016, G replaced by C.
Protein change: p.Lys672Asn; replaces lysine 672 with asparagine.
Molecular consequence: missense variant.
Genome position (GRCh38, 1-based): chr1:12,007,196, G>C. VCF-style: chr1-12007196-G-C. GRCh37 (hg19) VCF-style: chr1-12067253-G-C.
Other names: c.2016G>C, p.Lys672Asn (NM_001127660.2); short protein forms K672N.
Identifiers: ClinVar variation 2105058 (VCV002105058.4), dbSNP rs187058104, ClinGen allele CA338451564.

ClinVar aggregate classification (germline): Uncertain significance (1 of 4 stars; one submission).

Conditions:
Charcot-Marie-Tooth disease type 2. Also called: Charcot-Marie-Tooth type 2. Identifiers: Orphanet 64746, MedGen C0270914, MONDO:0018993.

Submission:

Labcorp Genetics (formerly Invitae), Labcorp
Classification: Uncertain significance for Charcot-Marie-Tooth disease type 2. Last evaluated: 2022-12-11. Review status: criteria provided, single submitter. Criteria: Invitae Variant Classification Sherloc (09022015). Collection method: clinical testing. Allele origin: germline.
Comment: This sequence change replaces lysine, which is basic and polar, with asparagine, which is neutral and polar, at codon 672 of the MFN2 protein (p.Lys672Asn). This variant is not present in population databases (gnomAD no frequency). This missense change has been observed in individual(s) with MFN2-related conditions (Invitae). Advanced modeling of protein sequence and biophysical properties (such as structural, functional, and spatial information, amino acid conservation, physicochemical variation, residue mobility, and thermodynamic stability) performed at Invitae indicates that this missense variant is expected to disrupt MFN2 protein function. In summary, the available evidence is currently insufficient to determine the role of this variant in disease. Therefore, it has been classified as a Variant of Uncertain Significance.